The following is an entry in ClinVar:

NM_000136.3(FANCC):c.723C>A (p.Cys241Ter)

Genes: AOPEP (aminopeptidase O (putative); plus strand), FANCC (FA complementation group C; minus strand). Cytogenetic location: 9q22.32.
Variant type: single nucleotide variant.
Coding change: c.723C>A on transcript NM_000136.3 (MANE Select); coding-DNA position 723, C replaced by A.
Protein change: p.Cys241Ter; replaces cysteine 241 with a stop codon.
Molecular consequence: nonsense.
Genome position (GRCh38, 1-based): chr9:95,135,466, G>T on the plus strand (C>A on the coding strand, the complement: FANCC is on the minus strand). VCF-style: chr9-95135466-G-T. GRCh37 (hg19) VCF-style: chr9-97897748-G-T.
Other names: c.723C>A, p.Cys241Ter (NM_001243743.2, NM_001243744.2); short protein forms C241*.
Identifiers: ClinVar variation 1457045 (VCV001457045.6), dbSNP rs2135167716, ClinGen allele CA374109424.

ClinVar aggregate classification (germline): Pathogenic (1 of 4 stars; one submission).

Conditions:
Fanconi anemia (FA). Also called: Fanconi's anemia. Identifiers: Orphanet 84, MedGen C0015625, MeSH D005199, MONDO:0019391.

Submission:

Labcorp Genetics (formerly Invitae), Labcorp
Classification: Pathogenic for Fanconi anemia. Last evaluated: 2021-08-22. Review status: criteria provided, single submitter. Criteria: Invitae Variant Classification Sherloc (09022015). Collection method: clinical testing. Allele origin: germline.
Comment: This sequence change creates a premature translational stop signal (p.Cys241*) in the FANCC gene. It is expected to result in an absent or disrupted protein product. Loss-of-function variants in FANCC are known to be pathogenic (PMID: 17924555). This variant is not present in population databases (ExAC no frequency). For these reasons, this variant has been classified as Pathogenic. This variant has not been reported in the literature in individuals affected with FANCC-related conditions.

Literature cited by the submitters: PubMed 17924555.